The following is an entry in ClinVar:

ClinVar aggregate classification (germline): Benign/Likely benign. Review status: criteria provided, multiple submitters, no conflicts (2 of 4 stars). 5 submissions from 5 submitters: Benign (1); Likely benign (4). Last evaluated 2024-12-27.

Conditions:
Cardiovascular phenotype. Identifiers: MedGen CN230736.
Catecholaminergic polymorphic ventricular tachycardia (CVPT). Also called: Catecholamine-induced polymorphic ventricular tachycardia. Identifiers: Orphanet 3286, MedGen C5574922, MONDO:0017990.
Cardiomyopathy (CMYO). Also called: Cardiomyopathies. Identifiers: Orphanet 167848, MedGen C0878544, MONDO:0004994, HP:0001638. Inheritance: Various modes of inheritance.
Catecholaminergic polymorphic ventricular tachycardia 1. Also called: VENTRICULAR TACHYCARDIA, CATECHOLAMINERGIC POLYMORPHIC, 1, WITH OR WITHOUT ATRIAL DYSFUNCTION AND/OR DILATED CARDIOMYOPATHY; RYR2-Related Catecholaminergic Polymorphic Ventricular Tachycardia; VENTRICULAR TACHYCARDIA, STRESS-INDUCED POLYMORPHIC 1. Identifiers: Orphanet 3286, MedGen C1631597, MONDO:0011484, OMIM 604772.

Allele frequency attached by ClinVar (database versions not stated): ExAC 0.00001; gnomAD exomes 0.00001 and 0.00004; gnomAD 0.00010 and 0.00011; TOPMed 0.00015.
gnomAD v4.1: 29 of 1,612,592 alleles (0.0018%); highest among the groups gnomAD compares: Admixed American, 0.038%; no homozygotes.

Submissions (5):

Labcorp Genetics (formerly Invitae), Labcorp
Classification: Likely benign for Catecholaminergic polymorphic ventricular tachycardia 1. Last evaluated: 2024-12-27. Review status: criteria provided, single submitter. Criteria: Invitae Variant Classification Sherloc (09022015). Collection method: clinical testing. Allele origin: germline.

All of Us Research Program, National Institutes of Health
Classification: Likely benign for Catecholaminergic polymorphic ventricular tachycardia. Last evaluated: 2023-12-18. Review status: criteria provided, single submitter. Criteria: ACMG Guidelines, 2015. Collection method: clinical testing. Allele origin: germline. Inheritance: Autosomal dominant inheritance. Observed: 2 variant alleles, 2 heterozygotes.
Comment: This study involves interpretation of variants in research participants for the purpose of population health screening. Participant phenotype was not available at the time of variant classification. Additional details can be found in publication PMID: 35346344, PMCID: PMC8962531

Ambry Genetics
Classification: Likely benign for Cardiovascular phenotype. Last evaluated: 2021-01-21. Review status: criteria provided, single submitter. Criteria: Ambry Variant Classification Scheme 2023. Collection method: clinical testing. Allele origin: germline.

Color Diagnostics, LLC DBA Color Health
Classification: Likely benign for Cardiomyopathy. Last evaluated: 2019-09-27. Review status: criteria provided, single submitter. Criteria: ACMG Guidelines, 2015. Collection method: clinical testing. Allele origin: germline.

GeneDx
Classification: Benign. Last evaluated: 2015-10-12. Review status: criteria provided, single submitter. Criteria: GeneDx Variant Classification Process June 2021. Collection method: clinical testing. Allele origin: germline. Affected: yes.

NM_001035.3(RYR2):c.402C>T (p.Ser134=)

Gene: RYR2 (ryanodine receptor 2; plus strand). Cytogenetic location: 1q43.
Variant type: single nucleotide variant.
Coding change: c.402C>T on transcript NM_001035.3 (MANE Select); coding-DNA position 402, C replaced by T.
Protein change: p.Ser134=; no amino-acid change (serine 134 retained).
Molecular consequence: synonymous variant.
Genome position (GRCh38, 1-based): chr1:237,374,734, C>T. VCF-style: chr1-237374734-C-T. GRCh37 (hg19) VCF-style: chr1-237538034-C-T.
Other names: c.402C>T (NM_001035.2).
Identifiers: ClinVar variation 919149 (VCV000919149.16), dbSNP rs776832019, ClinGen allele CA086523.